The following is an entry in ClinVar:

ClinVar aggregate classification (germline): Uncertain significance (1 of 4 stars; one submission).

gnomAD v4.1: 6 of 1,613,488 alleles (0.00037%); highest among the groups gnomAD compares: Middle Eastern, 0.017%; no homozygotes.

Submission:

Labcorp Genetics (formerly Invitae), Labcorp
Classification: Uncertain significance. Last evaluated: 2025-12-25. Review status: criteria provided, single submitter. Criteria: Invitae Variant Classification Sherloc (09022015). Collection method: clinical testing. Allele origin: germline.
Comment: This sequence change replaces arginine, which is basic and polar, with glutamine, which is neutral and polar, at codon 3154 of the SRCAP protein (p.Arg3154Gln). This variant is present in population databases (no rsID available, gnomAD 0.003%). This variant has not been reported in the literature in individuals affected with SRCAP-related conditions. Invitae Evidence Modeling of protein sequence and biophysical properties (such as structural, functional, and spatial information, amino acid conservation, physicochemical variation, residue mobility, and thermodynamic stability) indicates that this missense variant is not expected to disrupt SRCAP protein function with a negative predictive value of 80%. In summary, the available evidence is currently insufficient to determine the role of this variant in disease. Therefore, it has been classified as a Variant of Uncertain Significance.

NM_006662.3(SRCAP):c.9461G>A (p.Arg3154Gln)

Gene: SRCAP (Snf2 related CREBBP activator protein; plus strand). Cytogenetic location: 16p11.2.
Variant type: single nucleotide variant.
Coding change: c.9461G>A on transcript NM_006662.3 (MANE Select); coding-DNA position 9461, G replaced by A.
Protein change: p.Arg3154Gln; replaces arginine 3154 with glutamine.
Molecular consequence: missense variant.
Genome position (GRCh38, 1-based): chr16:30,739,501, G>A. VCF-style: chr16-30739501-G-A. GRCh37 (hg19) VCF-style: chr16-30750822-G-A.
Other names: short protein forms R3154Q.
Identifiers: ClinVar variation 4805635 (VCV004805635.1).